The following is an entry in ClinVar:

NM_001029883.3(PCARE):c.3749G>A (p.Arg1250His)

Gene: PCARE (photoreceptor cilium actin regulator; minus strand). Cytogenetic location: 2p23.2.
Variant type: single nucleotide variant.
Coding change: c.3749G>A on transcript NM_001029883.3 (MANE Select); coding-DNA position 3749, G replaced by A.
Protein change: p.Arg1250His; replaces arginine 1250 with histidine.
Molecular consequence: missense variant.
Genome position (GRCh38, 1-based): chr2:29,064,987, C>T on the plus strand (G>A on the coding strand, the complement: PCARE is on the minus strand). VCF-style: chr2-29064987-C-T. GRCh37 (hg19) VCF-style: chr2-29287853-C-T.
Other names: short protein forms R1250H.
Identifiers: ClinVar variation 1922161 (VCV001922161.6), dbSNP rs749848766, ClinGen allele CA1591837.

ClinVar aggregate classification (germline): Uncertain significance. Review status: criteria provided, multiple submitters, no conflicts (2 of 4 stars). 2 submissions from 2 submitters: Uncertain significance (2). Last evaluated 2024-12-16.

Allele frequency attached by ClinVar (database versions not stated): gnomAD 0.00002; TOPMed 0.00003; ExAC 0.00008.
gnomAD v4.1: 37 of 1,579,296 alleles (0.0023%); highest among the groups gnomAD compares: Middle Eastern, 0.035%; no homozygotes.

Submissions (2):

Labcorp Genetics (formerly Invitae), Labcorp
Classification: Uncertain significance. Last evaluated: 2024-12-16. Review status: criteria provided, single submitter. Criteria: Invitae Variant Classification Sherloc (09022015). Collection method: clinical testing. Allele origin: germline.
Comment: This sequence change replaces arginine, which is basic and polar, with histidine, which is basic and polar, at codon 1250 of the PCARE protein (p.Arg1250His). This variant is present in population databases (rs749848766, gnomAD 0.01%). This variant has not been reported in the literature in individuals affected with PCARE-related conditions. ClinVar contains an entry for this variant (Variation ID: 1922161). An algorithm developed to predict the effect of missense changes on protein structure and function outputs the following: PolyPhen-2: "Benign". The histidine amino acid residue is found in multiple mammalian species, which suggests that this missense change does not adversely affect protein function. In summary, the available evidence is currently insufficient to determine the role of this variant in disease. Therefore, it has been classified as a Variant of Uncertain Significance.

Blueprint Genetics
Classification: Uncertain significance. Last evaluated: 2023-12-14. Review status: criteria provided, single submitter. Criteria: ACMG Guidelines, 2015. Collection method: clinical testing. Allele origin: germline.